The following is an entry in ClinVar:

NM_198334.3(GANAB):c.2130_2132delinsGTACCAGAA (p.Phe710_Trp711delinsLeuTyrGlnLys)

Gene: GANAB (glucosidase II alpha subunit; minus strand). Cytogenetic location: 11q12.3.
Variant type: Indel.
Coding change: c.2130_2132delinsGTACCAGAA on transcript NM_198334.3 (MANE Select); coding-DNA positions 2130 to 2132, CTG replaced by GTACCAGAA.
Protein change: p.Phe710_Trp711delinsLeuTyrGlnLys.
Molecular consequence: inframe indel.
Genome position (GRCh38, 1-based): chr11:62,628,817-62,628,819, CAG replaced by TTCTGGTAC on the plus strand (CTG replaced by GTACCAGAA on the coding strand, the reverse complement: GANAB is on the minus strand). VCF-style: chr11-62628817-CAG-TTCTGGTAC. GRCh37 (hg19) VCF-style: chr11-62396289-CAG-TTCTGGTAC.
Other names: c.1854_1856delinsGTACCAGAA, p.Phe618_Trp619delinsLeuTyrGlnLys (NM_001278192.2); c.1788_1790delinsGTACCAGAA, p.Phe596_Trp597delinsLeuTyrGlnLys (NM_001278193.2); c.1839_1841delinsGTACCAGAA, p.Phe613_Trp614delinsLeuTyrGlnLys (NM_001278194.2, NM_001329222.2, NM_001329223.2); c.1407_1409delinsGTACCAGAA, p.Phe469_Trp470delinsLeuTyrGlnLys (NM_001329224.2, NM_001329225.2); c.2196_2198delinsGTACCAGAA, p.Phe732_Trp733delinsLeuTyrGlnLys (NM_198335.4).
Identifiers: ClinVar variation 2443644 (VCV002443644.1), dbSNP rs2496316310, ClinGen allele CA2580084376.

ClinVar aggregate classification (germline): Uncertain significance (1 of 4 stars; one submission).

Submission:

GeneDx
Classification: Uncertain significance. Last evaluated: 2022-09-08. Review status: criteria provided, single submitter. Criteria: GeneDx Variant Classification Process June 2021. Collection method: clinical testing. Allele origin: germline. Affected: yes.
Comment: In-frame deletion of two amino acids and insertion of four amino acids in a non-repeat region predicted to critically alter the protein; Not observed at significant frequency in large population cohorts (gnomAD); Has not been previously published as pathogenic or benign to our knowledge